The following is an entry in ClinVar:

ClinVar aggregate classification (germline): Benign. Review status: criteria provided, multiple submitters, no conflicts (2 of 4 stars). 4 submissions from 4 submitters: Benign (4). Last evaluated 2026-01-28.

Conditions:
Mulibrey nanism syndrome. Also called: MUSCLE-LIVER-BRAIN-EYE NANISM; PERHEENTUPA SYNDROME; PERICARDIAL CONSTRICTION AND GROWTH FAILURE. Identifiers: Orphanet 2576, MedGen C0524582, MONDO:0009664, OMIM 253250.

Allele frequency attached by ClinVar (database versions not stated): ExAC 0.00358; gnomAD 0.01058 and 0.01118; TOPMed 0.01161; ESP Exome Variant Server 0.01192; 1000 Genomes Project 0.01378; 1000 Genomes Project 30x 0.01515.
gnomAD v4.1: 3,412 of 1,614,126 alleles (0.21%); highest among the groups gnomAD compares: African/African-American, 3.7%; 67 homozygotes.

Submissions (4):

Labcorp Genetics (formerly Invitae), Labcorp
Classification: Benign. Last evaluated: 2026-01-28. Review status: criteria provided, single submitter. Criteria: Invitae Variant Classification Sherloc (09022015). Collection method: clinical testing. Allele origin: germline.

Mayo Clinic Laboratories, Mayo Clinic
Classification: Benign. Last evaluated: 2021-06-28. Review status: criteria provided, single submitter. Criteria: ACMG Guidelines, 2015. Collection method: clinical testing. Allele origin: germline. Observed: 10 variant alleles.

Illumina Laboratory Services, Illumina
Classification: Benign for Mulibrey nanism syndrome. Last evaluated: 2018-01-13. Review status: criteria provided, single submitter. Criteria: ICSL Variant Classification Criteria 13 December 2019. Collection method: clinical testing. Allele origin: germline.
Comment: This variant was observed in the ICSL laboratory as part of a predisposition screen in an ostensibly healthy population. It had not been previously curated by ICSL or reported in the Human Gene Mutation Database (HGMD: prior to June 1st, 2018), and was therefore a candidate for classification through an automated scoring system. Utilizing variant allele frequency, disease prevalence and penetrance estimates, and inheritance mode, an automated score was calculated to assess if this variant is too frequent to cause the disease. Based on the score and internal cut-off values, a variant classified as benign is not then subjected to further curation. The score for this variant resulted in a classification of benign for this disease.

Breakthrough Genomics
Classification: Benign. Review status: criteria provided, single submitter. Criteria: ACMG Guidelines, 2015. Collection method: not provided. Allele origin: germline. Inheritance: Autosomal recessive inheritance. Affected: yes.

NM_015294.6(TRIM37):c.2512G>A (p.Val838Ile)

Gene: TRIM37 (tripartite motif containing 37; minus strand). Cytogenetic location: 17q22.
Variant type: single nucleotide variant.
Coding change: c.2512G>A on transcript NM_015294.6 (MANE Select); coding-DNA position 2512, G replaced by A.
Protein change: p.Val838Ile; replaces valine 838 with isoleucine.
Molecular consequence: missense variant. On other transcripts: non-coding transcript variant (2).
Genome position (GRCh38, 1-based): chr17:59,015,674, C>T on the plus strand (G>A on the coding strand, the complement: TRIM37 is on the minus strand). VCF-style: chr17-59015674-C-T. GRCh37 (hg19) VCF-style: chr17-57093035-C-T.
Other names: c.2512G>A, p.Val838Ile (NM_001005207.5, NM_001320988.3, NM_001320989.3 and 1 more transcripts); c.2410G>A, p.Val804Ile (NM_001320987.3, NM_001353082.2); c.2146G>A, p.Val716Ile (NM_001320990.3); c.1777G>A, p.Val593Ile (NM_001353083.2); c.2050G>A, p.Val684Ile (NM_001353085.2); c.2461G>A, p.Val821Ile (NM_001353086.2); short protein forms V838I, V684I, V804I, V593I, V716I, V821I.
Identifiers: ClinVar variation 324193 (VCV000324193.16), dbSNP rs7222388, ClinGen allele CA8678028.
Genomic context (GRCh38, chr17:59,015,674, plus strand): 5'-AGGTGACCATTTTCCTCCTTTTCTCAACCGCAGGCAAGCCACTGAAAACTGCAACCACAA[C>T]AGCATCTGAATCCAAAGCTTTACACTGCCGGTCTTCAGTTTTTGGCAGAATATCACCGAT-3'
Protein context (NP_056109.1, residues 828-848): RQCKALDSDA[Val838Ile]VVAVFSGLPA